The following is an entry in ClinVar:

ClinVar aggregate classification (germline): Uncertain significance (1 of 4 stars; one submission).

Conditions:
Hyperaldosteronism, familial, type IV (HALD4). Also called: FH IV; ALDOSTERONISM, PRIMARY, AND HYPERTENSION. Identifiers: Orphanet 642671, MedGen C4310756, MONDO:0014875, OMIM 617027.
Idiopathic generalized epilepsy. Also called: EIG; Generalised epilepsy. Identifiers: MedGen C0270850, MONDO:0005579, OMIM 600669.

Submission:

Labcorp Genetics (formerly Invitae), Labcorp
Classification: Uncertain significance for Idiopathic generalized epilepsy; Hyperaldosteronism, familial, type IV. Last evaluated: 2023-02-24. Review status: criteria provided, single submitter. Criteria: Invitae Variant Classification Sherloc (09022015). Collection method: clinical testing. Allele origin: germline.
Comment: This variant has not been reported in the literature in individuals affected with CACNA1H-related conditions. This variant is not present in population databases (gnomAD no frequency). Advanced modeling of protein sequence and biophysical properties (such as structural, functional, and spatial information, amino acid conservation, physicochemical variation, residue mobility, and thermodynamic stability) performed at Invitae indicates that this missense variant is not expected to disrupt CACNA1H protein function. In summary, the available evidence is currently insufficient to determine the role of this variant in disease. Therefore, it has been classified as a Variant of Uncertain Significance. This sequence change replaces glutamine, which is neutral and polar, with glutamic acid, which is acidic and polar, at codon 483 of the CACNA1H protein (p.Gln483Glu).

NM_021098.3(CACNA1H):c.1447C>G (p.Gln483Glu)

Gene: CACNA1H (calcium voltage-gated channel subunit alpha1 H; plus strand). Cytogenetic location: 16p13.3.
Variant type: single nucleotide variant.
Coding change: c.1447C>G on transcript NM_021098.3 (MANE Select); coding-DNA position 1447, C replaced by G.
Protein change: p.Gln483Glu; replaces glutamine 483 with glutamic acid.
Molecular consequence: missense variant.
Genome position (GRCh38, 1-based): chr16:1,201,897, C>G. VCF-style: chr16-1201897-C-G. GRCh37 (hg19) VCF-style: chr16-1251897-C-G.
Other names: c.1447C>G, p.Gln483Glu (NM_001005407.2); short protein forms Q483E.
Identifiers: ClinVar variation 2938518 (VCV002938518.3), dbSNP rs2548643355, ClinGen allele CA394160851.
Genomic context (GRCh38, chr16:1,201,897, plus strand): 5'-TACGTGGGCCACATATTCCGCAAGGTCAAGCGGCGCAGCTTGCGCCTCTACGCCCGCTGG[C>G]AGAGCCGCTGGCGCAAGAAGGTGGACCCCAGTGCTGTGCAAGGCCAGGGTCCCGGGCACC-3'
Protein context (NP_066921.2, residues 473-493): RRSLRLYARW[Gln483Glu]SRWRKKVDPS